The following is an entry in ClinVar:

ClinVar aggregate classification (germline): Benign/Likely benign. Review status: criteria provided, multiple submitters, no conflicts (2 of 4 stars). 2 submissions from 2 submitters: Benign (1); Likely benign (1). Last evaluated 2023-03-01.

Allele frequency attached by ClinVar (database versions not stated): TOPMed 0.00014; ESP Exome Variant Server 0.00015.
gnomAD v4.1: 212 of 1,614,094 alleles (0.013%); highest among the groups gnomAD compares: Middle Eastern, 0.082%; no homozygotes.

Submissions (2):

CeGaT Center for Human Genetics Tuebingen
Classification: Likely benign. Last evaluated: 2023-03-01. Review status: criteria provided, single submitter. Criteria: CeGaT Center For Human Genetics Tuebingen Variant Classification Criteria Version 2. Collection method: clinical testing. Allele origin: germline. Affected: yes. Observed: 1 variant allele.
Comment: H1-4: BP4, BP7

Labcorp Genetics (formerly Invitae), Labcorp
Classification: Benign. Last evaluated: 2019-12-31. Review status: criteria provided, single submitter. Criteria: Invitae Variant Classification Sherloc (09022015). Collection method: clinical testing. Allele origin: germline.

NM_005321.3(H1-4):c.204C>A (p.Ala68=)

Gene: H1-4 (H1.4 linker histone, cluster member; plus strand). Cytogenetic location: 6p22.2.
Variant type: single nucleotide variant.
Coding change: c.204C>A on transcript NM_005321.3 (MANE Select); coding-DNA position 204, C replaced by A.
Protein change: p.Ala68=; no amino-acid change (alanine 68 retained).
Molecular consequence: synonymous variant.
Genome position (GRCh38, 1-based): chr6:26,156,594, C>A. VCF-style: chr6-26156594-C-A. GRCh37 (hg19) VCF-style: chr6-26156822-C-A.
Identifiers: ClinVar variation 757388 (VCV000757388.28), dbSNP rs148757707, ClinGen allele CA3667968.
Genomic context (GRCh38, chr6:26,156,594, plus strand): 5'-TGCCGCCTCCAAGGAGCGCAGCGGCGTATCTTTGGCCGCTCTCAAGAAAGCGCTGGCAGC[C>A]GCTGGCTATGACGTGGAGAAGAACAACAGCCGCATCAAGCTGGGTCTCAAGAGCCTGGTG-3'
Protein context (NP_005312.1, residues 58-78): SLAALKKALA[Ala68=]AGYDVEKNNS